The following is an entry in ClinVar:

ClinVar aggregate classification (germline): Conflicting classifications of pathogenicity. Review status: criteria provided, conflicting classifications (1 of 4 stars). 3 submissions from 3 submitters: Uncertain significance (1); Likely benign (1). 1 of the submissions does not count toward it. Last evaluated 2026-01-19.

Conditions:
FRAS1-related disorder. Also called: FRAS1-related condition.

Allele frequency attached by ClinVar (database versions not stated): ExAC 0.00027; ESP Exome Variant Server 0.00072; gnomAD 0.00095 and 0.00101; 1000 Genomes Project 0.00100; 1000 Genomes Project 30x 0.00125; TOPMed 0.00129.
gnomAD v4.1: 338 of 1,614,012 alleles (0.021%); highest among the groups gnomAD compares: African/African-American, 0.4%; 1 homozygote.

Submissions (3):

Labcorp Genetics (formerly Invitae), Labcorp
Classification: Likely benign. Last evaluated: 2026-01-19. Review status: criteria provided, single submitter. Criteria: Invitae Variant Classification Sherloc (09022015). Collection method: clinical testing. Allele origin: germline.

GeneDx
Classification: Uncertain significance. Last evaluated: 2017-05-03. Review status: criteria provided, single submitter. Criteria: GeneDx Variant Classification (06012015). Collection method: clinical testing. Allele origin: germline. Affected: yes.
Comment: The P3413S variant in the FRAS1 gene has not been reported previously as a pathogenic variant, nor as a benign variant, to our knowledge. The P3413S variant is observed in 28/9,794 (0.25%) alleles from individuals of African background in the ExAC dataset, and no individuals were reported to be homozygous (Lek et al., 2016). The P3413S variant is a non-conservative amino acid substitution, which is likely to impact secondary protein structure as these residues differ in polarity, charge, size and/or other properties. This substitution occurs at a position that is conserved across species. In silico analysis predicts this variant is probably damaging to the protein structure/function. We interpret P3413S as a variant of uncertain significance.

PreventionGenetics, part of Exact Sciences
Classification: Likely benign for FRAS1-related condition. Last evaluated: 2022-12-12. Review status: no assertion criteria provided. Collection method: clinical testing. Allele origin: germline. Not counted in ClinVar's aggregate classification.
Comment: This variant is classified as likely benign based on ACMG/AMP sequence variant interpretation guidelines (Richards et al. 2015 PMID: 25741868, with internal and published modifications).

NM_025074.7(FRAS1):c.10237C>T (p.Pro3413Ser)

Gene: FRAS1 (Fraser extracellular matrix complex subunit 1; plus strand). Cytogenetic location: 4q21.21.
Variant type: single nucleotide variant.
Coding change: c.10237C>T on transcript NM_025074.7 (MANE Select); coding-DNA position 10237, C replaced by T.
Protein change: p.Pro3413Ser; replaces proline 3413 with serine.
Molecular consequence: missense variant.
Genome position (GRCh38, 1-based): chr4:78,515,861, C>T. VCF-style: chr4-78515861-C-T. GRCh37 (hg19) VCF-style: chr4-79437015-C-T.
Other names: short protein forms P3413S.
Identifiers: ClinVar variation 429251 (VCV000429251.15), dbSNP rs189612722, ClinGen allele CA2978897.
Genomic context (GRCh38, chr4:78,515,861, plus strand): 5'-GCAGGGTTCCTGGATGATGTGGTCTATGATAGCACTGCCCTGGGGCCTGGCTACGATCGC[C>T]CCTTCCAGTTTGACCCCAGCGTGCGAGAGCCGAAGACCATCCAGCTCTACAAACACCTGA-3'
Protein context (NP_079350.5, residues 3403-3423): STALGPGYDR[Pro3413Ser]FQFDPSVREP